The following is an entry in ClinVar:

NM_203446.3(SYNJ1):c.*75A>G

Gene: SYNJ1 (synaptojanin 1; minus strand). Cytogenetic location: 21q22.11.
Variant type: single nucleotide variant.
Coding change: c.*75A>G on transcript NM_203446.3 (MANE Select); 75 bases downstream of the stop codon, A replaced by G.
Molecular consequence: 3 prime UTR variant. On other transcripts: synonymous variant (2).
Genome position (GRCh38, 1-based): chr21:32,631,730, T>C on the plus strand (A>G on the coding strand, the complement: SYNJ1 is on the minus strand). VCF-style: chr21-32631730-T-C. GRCh37 (hg19) VCF-style: chr21-34004040-T-C.
Other names: c.*75A>G (NM_001160302.2); c.3846A>G, p.Ser1282= (NM_001160306.2); c.4104A>G, p.Ser1368= (NM_003895.4).
Identifiers: ClinVar variation 1144796 (VCV001144796.33), dbSNP rs756090874, ClinGen allele CA10003180.
Genomic context (GRCh38, chr21:32,631,730, plus strand): 5'-GGTGGGAACAGGTGACGTTTGAACAGATAGCTGAGCCTTTGATACAGCAAGCAGATTAAA[T>C]GACAGATCTTCAAATGGGTCAATCTTTAATGGTGATTCTCTTTTGCCATCAGAGATTCCA-3'

ClinVar aggregate classification (germline): Likely benign. Review status: criteria provided, multiple submitters, no conflicts (2 of 4 stars). 2 submissions from 2 submitters: Likely benign (2). Last evaluated 2025-06-12.

Conditions:
Early-onset Parkinson disease 20. Also called: PARKINSON DISEASE 20, AUTOSOMAL RECESSIVE EARLY-ONSET. Identifiers: Orphanet 391411, MedGen C3809824, MONDO:0014233, OMIM 615530.
Developmental and epileptic encephalopathy, 53. Also called: Epileptic encephalopathy, early infantile, 53. Identifiers: MedGen C4479313, MONDO:0033362, OMIM 617389.

Allele frequency attached by ClinVar (database versions not stated): ExAC 0.00001; gnomAD exomes 0.00001 and 0.00003; TOPMed 0.00003.
gnomAD v4.1: 47 of 1,614,236 alleles (0.0029%); highest among the groups gnomAD compares: Non-Finnish European, 0.0036%; no homozygotes.

Submissions (2):

Labcorp Genetics (formerly Invitae), Labcorp
Classification: Likely benign for Developmental and epileptic encephalopathy, 53; Early-onset Parkinson disease 20. Last evaluated: 2025-06-12. Review status: criteria provided, single submitter. Criteria: Invitae Variant Classification Sherloc (09022015). Collection method: clinical testing. Allele origin: germline.

CeGaT Center for Human Genetics Tuebingen
Classification: Likely benign. Last evaluated: 2022-07-01. Review status: criteria provided, single submitter. Criteria: CeGaT Center For Human Genetics Tuebingen Variant Classification Criteria Version 2. Collection method: clinical testing. Allele origin: germline. Affected: yes. Observed: 1 variant allele.
Comment: SYNJ1: BP4, BP7